The following is an entry in ClinVar:

NM_000245.4(MET):c.2676T>C (p.Val892=)

Gene: MET (MET proto-oncogene, receptor tyrosine kinase; plus strand). Cytogenetic location: 7q31.2.
Variant type: single nucleotide variant.
Coding change: c.2676T>C on transcript NM_000245.4 (MANE Select); coding-DNA position 2676, T replaced by C.
Protein change: p.Val892=; no amino-acid change (valine 892 retained).
Molecular consequence: synonymous variant.
Genome position (GRCh38, 1-based): chr7:116,769,737, T>C. VCF-style: chr7-116769737-T-C. GRCh37 (hg19) VCF-style: chr7-116409791-T-C.
Other names: c.2730T>C, p.Val910= (NM_001127500.3); c.2676T>C, p.Val892= (NM_001324401.3); c.1386T>C, p.Val462= (NM_001324402.2).
Identifiers: ClinVar variation 3773105 (VCV003773105.1).
Genomic context (GRCh38, chr7:116,769,737, plus strand): 5'-TGAAGTGTTAAAAGTTGGAAATAAGAGCTGTGAGAATATACACTTACATTCTGAAGCCGT[T>C]TTATGCACGGTCCCCAATGACCTGCTGAAATTGAACAGCGAGCTAAATATAGAGGTGGGA-3'
Protein context (NP_000236.2, residues 882-902): CENIHLHSEA[Val892=]LCTVPNDLLK

ClinVar aggregate classification (germline): Benign (1 of 4 stars; one submission).

Conditions:
Papillary renal cell carcinoma type 1 (RCCP1). Also called: Renal adenocarcinoma; Renal cell carcinoma 1; Renal cell carcinoma, somatic; RENAL CELL CARCINOMA, PAPILLARY, 1, SOMATIC. Identifiers: Orphanet 47044, MedGen C1336839, OMIM 605074, HP:0011797.

Submission:

Myriad Genetics, Inc.
Classification: Benign for Papillary renal cell carcinoma type 1. Last evaluated: 2024-11-12. Review status: criteria provided, single submitter. Criteria: Myriad Autosomal Dominant, Autosomal Recessive and X-Linked Classification Criteria (2023). Collection method: clinical testing. Allele origin: unknown.
Comment: This variant is considered benign. This variant is a silent/synonymous amino acid change and it is not expected to impact splicing.